The following is an entry in ClinVar:

ClinVar aggregate classification (germline): Uncertain significance (1 of 4 stars; one submission).

Conditions:
HECW2-related disorder. Also called: HECW2-related condition.

Submission:

PreventionGenetics, part of Exact Sciences
Classification: Uncertain significance for HECW2-related condition. Last evaluated: 2025-07-17. Review status: criteria provided, single submitter. Criteria: ACMG Guidelines, 2015. Collection method: clinical testing. Allele origin: germline.
Comment: The HECW2 c.240G>C variant is predicted to result in the amino acid substitution p.Trp80Cys. To our knowledge, this variant has not been reported in the literature or in a large population database (gnomAD), indicating this variant is rare. At this time, the clinical significance of this variant is uncertain due to the absence of conclusive functional and genetic evidence.

NM_001348768.2(HECW2):c.240G>C (p.Trp80Cys)

Gene: HECW2 (HECT, C2 and WW domain containing E3 ubiquitin protein ligase 2; minus strand). Cytogenetic location: 2q32.3.
Variant type: single nucleotide variant.
Coding change: c.240G>C on transcript NM_001348768.2 (MANE Select); coding-DNA position 240, G replaced by C.
Protein change: p.Trp80Cys; replaces tryptophan 80 with cysteine.
Molecular consequence: missense variant.
Genome position (GRCh38, 1-based): chr2:196,433,184, C>G on the plus strand (G>C on the coding strand, the complement: HECW2 is on the minus strand). VCF-style: chr2-196433184-C-G. GRCh37 (hg19) VCF-style: chr2-197297908-C-G.
Other names: c.240G>C, p.Trp80Cys (NM_020760.4); short protein forms W80C.
Identifiers: ClinVar variation 4982540 (VCV004982540.1).
Genomic context (GRCh38, chr2:196,433,184, plus strand): 5'-TGACTCACCTATATGATAAAGTCCAATCCAATCACTGGGGTCCACCTCCTCTTTAATGTC[C>G]CAGAAGATAATGAGGTTCTGGGCTTGCCCCAGCGTGTACTCGTACATGCTGGCAGTTAAG-3'
Protein context (NP_001335697.1, residues 70-90): LGQAQNLIIF[Trp80Cys]DIKEEVDPSD